The following is an entry in ClinVar:

NM_001277115.2(DNAH11):c.3337dup (p.Met1113fs)

Genes: DNAH11 (dynein axonemal heavy chain 11; plus strand), LOC126859961 (BRD4-independent group 4 enhancer GRCh37_chr7:21639662-21640861; plus strand). Cytogenetic location: 7p15.3.
Variant type: Duplication.
Coding change: c.3337dup on transcript NM_001277115.2 (MANE Select); coding-DNA position 3337, one base duplicated (A; older notation c.3337dupA).
Protein change: p.Met1113fs; shifts the reading frame from methionine 1113.
Molecular consequence: frameshift variant.
Genome position (GRCh38, 1-based): chr7:21,601,091, A duplicated. VCF-style (leftmost placement, unchanged base first): chr7-21601090-C-CA. GRCh37 (hg19) VCF-style: chr7-21640708-C-CA.
Other names: short protein forms M1113fs.
Identifiers: ClinVar variation 4706983 (VCV004706983.1).
Genomic context (GRCh38, chr7:21,601,090, plus strand): 5'-GTATGTTCAAATGAGCAAATTTGAGGACTTTAGAGTGTTTGATAGTTGGTTCAAGGTGGA[C>CA]ATGAAGCCTTTCAAAGTGAGCTTGTTAACCATAATTAAGAAATGGAGCTGGATGTTTCAG-3'

ClinVar aggregate classification (germline): Pathogenic (1 of 4 stars; one submission).

Conditions:
Primary ciliary dyskinesia. Also called: Ciliary dyskinesia. Identifiers: Orphanet 244, MedGen C0008780, MONDO:0016575, HP:0012265.

Submission:

Labcorp Genetics (formerly Invitae), Labcorp
Classification: Pathogenic for Primary ciliary dyskinesia. Last evaluated: 2025-12-15. Review status: criteria provided, single submitter. Criteria: Invitae Variant Classification Sherloc (09022015). Collection method: clinical testing. Allele origin: germline.
Comment: This sequence change creates a premature translational stop signal (p.Met1113Asnfs*13) in the DNAH11 gene. It is expected to result in an absent or disrupted protein product. Loss-of-function variants in DNAH11 are known to be pathogenic (PMID: 18022865, 20513915, 22184204). This variant is present in population databases (no rsID available, gnomAD 0.003%). This variant has not been reported in the literature in individuals affected with DNAH11-related conditions. Algorithms developed to predict the effect of sequence changes on RNA splicing suggest that this variant may disrupt the consensus splice site. For these reasons, this variant has been classified as Pathogenic.

Literature cited by the submitters: PubMed 18022865; PubMed 20513915; PubMed 22184204.